The following is an entry in ClinVar:

ClinVar aggregate classification (germline): Uncertain significance. Review status: criteria provided, multiple submitters, no conflicts (2 of 4 stars). 2 submissions from 2 submitters: Uncertain significance (2). Last evaluated 2024-05-31.

Conditions:
Spastic paraplegia. Identifiers: MedGen C0037772, HP:0001258.

Allele frequency attached by ClinVar (database versions not stated): gnomAD exomes below 0.00001; TOPMed below 0.00001.
gnomAD v4.1: 2 of 1,613,108 alleles (0.00012%); highest among the groups gnomAD compares: East Asian, 0.0022%; no homozygotes.

Submissions (2):

Labcorp Genetics (formerly Invitae), Labcorp
Classification: Uncertain significance for Spastic paraplegia. Last evaluated: 2024-05-31. Review status: criteria provided, single submitter. Criteria: Invitae Variant Classification Sherloc (09022015). Collection method: clinical testing. Allele origin: germline.
Comment: This sequence change replaces alanine, which is neutral and non-polar, with aspartic acid, which is acidic and polar, at codon 399 of the ARSI protein (p.Ala399Asp). This variant is not present in population databases (gnomAD no frequency). This variant has not been reported in the literature in individuals affected with ARSI-related conditions. ClinVar contains an entry for this variant (Variation ID: 2553814). An algorithm developed to predict the effect of missense changes on protein structure and function (PolyPhen-2) suggests that this variant is likely to be disruptive. In summary, the available evidence is currently insufficient to determine the role of this variant in disease. Therefore, it has been classified as a Variant of Uncertain Significance.

Ambry Genetics
Classification: Uncertain significance. Last evaluated: 2023-05-31. Review status: criteria provided, single submitter. Criteria: Ambry Variant Classification Scheme 2023. Collection method: clinical testing. Allele origin: germline.

NM_001012301.4(ARSI):c.1196C>A (p.Ala399Asp)

Gene: ARSI (arylsulfatase family member I; minus strand). Cytogenetic location: 5q32.
Variant type: single nucleotide variant.
Coding change: c.1196C>A on transcript NM_001012301.4 (MANE Select); coding-DNA position 1196, C replaced by A.
Protein change: p.Ala399Asp; replaces alanine 399 with aspartic acid.
Molecular consequence: missense variant.
Genome position (GRCh38, 1-based): chr5:150,297,728, G>T on the plus strand (C>A on the coding strand, the complement: ARSI is on the minus strand). VCF-style: chr5-150297728-G-T. GRCh37 (hg19) VCF-style: chr5-149677291-G-T.
Other names: short protein forms A399D.
Identifiers: ClinVar variation 2553814 (VCV002553814.4), dbSNP rs1007405064, ClinGen allele CA129123195.
Genomic context (GRCh38, chr5:150,297,728, plus strand): 5'-ATGGCAGCCTGCACGGCGGTGTTCCAGATGCCAAAGCCGCCCTCCAGGGAGCCATGCTGG[G>T]CATGGTTGTAGAGTGGGTCAATGTTGTGCAGGATCTCCGTGCGTGGTGAGGCCCGGCCCT-3'
Protein context (NP_001012301.1, residues 389-409): LHNIDPLYNH[Ala399Asp]QHGSLEGGFG